The following is an entry in ClinVar:

NM_005002.5(NDUFA9):c.330G>T (p.Ala110=)

Gene: NDUFA9 (NADH:ubiquinone oxidoreductase subunit A9; plus strand). Cytogenetic location: 12p13.32.
Variant type: single nucleotide variant.
Coding change: c.330G>T on transcript NM_005002.5 (MANE Select); coding-DNA position 330, G replaced by T.
Protein change: p.Ala110=; no amino-acid change (alanine 110 retained).
Molecular consequence: synonymous variant.
Genome position (GRCh38, 1-based): chr12:4,657,759, G>T. VCF-style: chr12-4657759-G-T. GRCh37 (hg19) VCF-style: chr12-4766925-G-T.
Other names: p.A110A:GCG>GCT.
Identifiers: ClinVar variation 138451 (VCV000138451.14), dbSNP rs148477287, ClinGen allele CA292442.

ClinVar aggregate classification (germline): Benign. Review status: criteria provided, multiple submitters, no conflicts (2 of 4 stars). 4 submissions from 4 submitters: Benign (3). 1 of the submissions does not count toward it. Last evaluated 2026-01-19.

Conditions:
NDUFA9-related disorder. Also called: NDUFA9-related condition.

Allele frequency attached by ClinVar (database versions not stated): 1000 Genomes Project 0.00280; TOPMed 0.00288; 1000 Genomes Project 30x 0.00297; gnomAD 0.00298 and 0.00314; ESP Exome Variant Server 0.00369.
gnomAD v4.1: 966 of 1,612,806 alleles (0.06%); highest among the groups gnomAD compares: African/African-American, 0.96%; 6 homozygotes.

Submissions (4):

Labcorp Genetics (formerly Invitae), Labcorp
Classification: Benign. Last evaluated: 2026-01-19. Review status: criteria provided, single submitter. Criteria: Invitae Variant Classification Sherloc (09022015). Collection method: clinical testing. Allele origin: germline.

GeneDx
Classification: Benign. Last evaluated: 2014-04-23. Review status: criteria provided, single submitter. Criteria: GeneDx Variant Classification (06012015). Collection method: clinical testing. Allele origin: germline. Affected: yes.
Comment: This variant is considered likely benign or benign based on one or more of the following criteria: it is a conservative change, it occurs at a poorly conserved position in the protein, it is predicted to be benign by multiple in silico algorithms, and/or has population frequency not consistent with disease.

Breakthrough Genomics
Classification: Benign. Review status: criteria provided, single submitter. Criteria: ACMG Guidelines, 2015. Collection method: not provided. Allele origin: germline. Inheritance: Autosomal recessive inheritance. Affected: yes.

PreventionGenetics, part of Exact Sciences
Classification: Benign for NDUFA9-related condition. Last evaluated: 2019-07-30. Review status: no assertion criteria provided. Collection method: clinical testing. Allele origin: germline. Not counted in ClinVar's aggregate classification.
Comment: This variant is classified as benign based on ACMG/AMP sequence variant interpretation guidelines (Richards et al. 2015 PMID: 25741868, with internal and published modifications).